The following is an entry in ClinVar:

NM_133433.4(NIPBL):c.7410+1del

Gene: NIPBL (NIPBL cohesin loading factor; plus strand). Cytogenetic location: 5p13.2.
Variant type: Deletion.
Coding change: c.7410+1del on transcript NM_133433.4 (MANE Select); the canonical splice donor site of the intron after coding-DNA position 7410, one base deleted (G; older notation c.7410+1delG).
Molecular consequence: splice donor variant.
Genome position (GRCh38, 1-based): chr5:37,057,333, G deleted; the last of 2 consecutive G bases (chr5:37,057,332-37,057,333); deleting either gives the same sequence. VCF-style (leftmost placement, unchanged base first): chr5-37057331-AG-A. GRCh37 (hg19) VCF-style: chr5-37057433-AG-A.
Other names: c.7410+1delG (NM_133433.4); c.7410+1del (NM_001438586.1, NM_015384.5).
Identifiers: ClinVar variation 4687320 (VCV004687320.1).
Genomic context (GRCh38, chr5:37,057,331, plus strand): 5'-TGCATCATATAGACATTACACTCTCAGTTTCTGGTAGTAACCTACTGCAGTCATTCAAGG[AG>A]GTAAGTTACACACATTACTATTCTTAATCCATCTGTCAAAGTGCAGGCATGCTGTTTTCA-3'

ClinVar aggregate classification (germline): Likely pathogenic (1 of 4 stars; one submission).

Conditions:
Cornelia de Lange syndrome 1 (CDLS1). Also called: TYPUS DEGENERATIVUS AMSTELODAMENSIS; Brachmann de Lange syndrome; NIPBL-Related Cornelia de Lange Syndrome. Identifiers: Orphanet 199, MedGen C4551851, MONDO:0007387, OMIM 122470.

Submission:

Women's Health and Genetics/Laboratory Corporation of America, LabCorp
Classification: Likely pathogenic for Cornelia de Lange syndrome 1. Last evaluated: 2025-10-14. Review status: criteria provided, single submitter. Criteria: LabCorp Variant Classification Summary - May 2015. Collection method: clinical testing. Allele origin: germline.
Comment: Variant summary: NIPBL c.7410+1delG is located in a canonical splice-site and is predicted to affect mRNA splicing resulting in a significantly altered protein due to either exon skipping, shortening, or inclusion of intronic material. Variants that disrupt the consensus splice site are a relatively common cause of aberrant splicing and loss of NIPBL function. Several computational tools predict a significant impact on normal splicing: Four predict the variant abolishes a 5' splicing donor site. Three predict the variant creates a 5' donor site. However, these predictions have yet to be confirmed by functional studies. The variant was absent in 250908 control chromosomes. To our knowledge, no occurrence of c.7410+1delG in individuals affected with NIPBL-related conditions and no experimental evidence demonstrating its impact on protein function have been reported. No submitters have cited clinical-significance assessments for this variant to ClinVar. Based on the evidence outlined above, the variant was classified as likely pathogenic.